The following is an entry in ClinVar:

ClinVar aggregate classification (germline): Uncertain significance. Review status: criteria provided, multiple submitters, no conflicts (2 of 4 stars). 8 submissions from 8 submitters: Uncertain significance (8). Last evaluated 2026-08-01.

Conditions:
Usher syndrome type 2C. Also called: USHER SYNDROME, TYPE IIC; Usher syndrome, type 2B. Identifiers: Orphanet 231178, Orphanet 886, MedGen C2931213, MONDO:0011558, OMIM 605472.
ADGRV1-related disorder. Also called: ADGRV1-related disorders; ADGRV1-related condition.
Inborn genetic diseases. Identifiers: MedGen C0950123, MeSH D030342.

Allele frequency attached by ClinVar (database versions not stated): gnomAD exomes 0.00001; ExAC 0.00003.
gnomAD v4.1: 16 of 1,611,488 alleles (0.00099%); highest among the groups gnomAD compares: Middle Eastern, 0.033%; no homozygotes.

Submissions (8):

CeGaT Center for Human Genetics Tuebingen
Classification: Uncertain significance. Last evaluated: 2026-08-01. Review status: criteria provided, single submitter. Criteria: CeGaT Center For Human Genetics Tuebingen Variant Classification Criteria Version 2. Collection method: clinical testing. Allele origin: germline. Affected: yes. Observed: 1 variant allele.
Comment: ADGRV1: PM2

PreventionGenetics, part of Exact Sciences
Classification: Uncertain significance for ADGRV1-related condition. Last evaluated: 2026-03-09. Review status: criteria provided, single submitter. Criteria: ACMG Guidelines, 2015. Collection method: clinical testing. Allele origin: germline.
Comment: The ADGRV1 c.3338C>A variant is predicted to result in the amino acid substitution p.Ala1113Asp. To our knowledge, this variant has not been reported in the literature. This variant is reported in 0.0033% of alleles in individuals of South Asian descent in gnomAD. At this time, the clinical significance of this variant is uncertain due to the absence of conclusive functional and genetic evidence.

Ambry Genetics
Classification: Uncertain significance for Inborn genetic diseases. Last evaluated: 2025-12-02. Review status: criteria provided, single submitter. Criteria: Ambry Variant Classification Scheme 2023. Collection method: clinical testing. Allele origin: germline.

GeneDx
Classification: Uncertain significance. Last evaluated: 2025-08-07. Review status: criteria provided, single submitter. Criteria: GeneDx Variant Classification Process June 2021. Collection method: clinical testing. Allele origin: germline. Affected: yes.
Comment: Not observed at significant frequency in large population cohorts (gnomAD); In silico analysis supports that this missense variant has a deleterious effect on protein structure/function; Has not been previously published as pathogenic or benign to our knowledge

Blueprint Genetics
Classification: Uncertain significance. Last evaluated: 2024-08-13. Review status: criteria provided, single submitter. Criteria: ACMG Guidelines, 2015. Collection method: clinical testing. Allele origin: germline.

Women's Health and Genetics/Laboratory Corporation of America, LabCorp
Classification: Uncertain significance. Last evaluated: 2023-02-14. Review status: criteria provided, single submitter. Criteria: LabCorp Variant Classification Summary - May 2015. Collection method: clinical testing. Allele origin: germline.
Comment: Variant summary: ADGRV1 c.3338C>A (p.Ala1113Asp) results in a non-conservative amino acid change located in the Na-Ca exchanger/integrin-beta4 domain (IPR003644) of the encoded protein sequence. Four of five in-silico tools predict a damaging effect of the variant on protein function. The variant allele was found at a frequency of 1.2e-05 in 248150 control chromosomes (gnomAD). The available data on variant occurrences in the general population are insufficient to allow any conclusion about variant significance. To our knowledge, no occurrence of c.3338C>A in individuals affected with ADGRV1-Related Disorders and no experimental evidence demonstrating its impact on protein function have been reported. Two clinical diagnostic laboratories have submitted clinical-significance assessments for this variant to ClinVar after 2014 and classified the variant as uncertain significance. Based on the evidence outlined above, the variant was classified as uncertain significance.

Labcorp Genetics (formerly Invitae), Labcorp
Classification: Uncertain significance. Last evaluated: 2022-06-13. Review status: criteria provided, single submitter. Criteria: Invitae Variant Classification Sherloc (09022015). Collection method: clinical testing. Allele origin: germline.
Comment: This sequence change replaces alanine, which is neutral and non-polar, with aspartic acid, which is acidic and polar, at codon 1113 of the ADGRV1 protein (p.Ala1113Asp). This variant is present in population databases (rs750334086, gnomAD 0.003%). This variant has not been reported in the literature in individuals affected with ADGRV1-related conditions. ClinVar contains an entry for this variant (Variation ID: 905637). Algorithms developed to predict the effect of missense changes on protein structure and function are either unavailable or do not agree on the potential impact of this missense change (SIFT: "Deleterious"; PolyPhen-2: "Possibly Damaging"; Align-GVGD: "Class C0"). In summary, the available evidence is currently insufficient to determine the role of this variant in disease. Therefore, it has been classified as a Variant of Uncertain Significance.

Illumina Laboratory Services, Illumina
Classification: Uncertain significance for Usher syndrome type 2C. Last evaluated: 2018-01-13. Review status: criteria provided, single submitter. Criteria: ICSL Variant Classification Criteria 13 December 2019. Collection method: clinical testing. Allele origin: germline.

NM_032119.4(ADGRV1):c.3338C>A (p.Ala1113Asp)

Gene: ADGRV1 (adhesion G protein-coupled receptor V1; plus strand). Cytogenetic location: 5q14.3.
Variant type: single nucleotide variant.
Coding change: c.3338C>A on transcript NM_032119.4 (MANE Select); coding-DNA position 3338, C replaced by A.
Protein change: p.Ala1113Asp; replaces alanine 1113 with aspartic acid.
Molecular consequence: missense variant. On other transcripts: non-coding transcript variant (1).
Genome position (GRCh38, 1-based): chr5:90,651,652, C>A. VCF-style: chr5-90651652-C-A. GRCh37 (hg19) VCF-style: chr5-89947469-C-A.
Other names: short protein forms A1113D.
Identifiers: ClinVar variation 905637 (VCV000905637.13), dbSNP rs750334086, ClinGen allele CA3339163.
Genomic context (GRCh38, chr5:90,651,652, plus strand): 5'-CTTTTAATTTAGGTGATACAGTAGTATATCAATATGGAGTAGCTACAGTAATAATTGAAG[C>A]TAATGATGACCCAAATGGCATTTTTTCTCTGGAGCCCATAGACAAAGCAGTGGAAGAAGG-3'
Protein context (NP_115495.3, residues 1103-1123): QYGVATVIIE[Ala1113Asp]NDDPNGIFSL